The following is an entry in ClinVar:

NM_000271.5(NPC1):c.3689del (p.Leu1230fs)

Gene: NPC1 (NPC intracellular cholesterol transporter 1; minus strand). Cytogenetic location: 18q11.2.
Variant type: Deletion.
Coding change: c.3689del on transcript NM_000271.5 (MANE Select); coding-DNA position 3689, one base deleted (T; older notation c.3689delT).
Protein change: p.Leu1230fs; shifts the reading frame from leucine 1230.
Molecular consequence: frameshift variant.
Genome position (GRCh38, 1-based): chr18:23,533,420, A deleted on the plus strand (T on the coding strand, the reverse complement: NPC1 is on the minus strand); the first of 3 consecutive A bases (chr18:23,533,420-23,533,422); deleting any one gives the same sequence. VCF-style (leftmost placement, unchanged base first): chr18-23533419-CA-C. GRCh37 (hg19) VCF-style: chr18-21113383-CA-C.
Other names: short protein forms L1230fs.
Identifiers: ClinVar variation 2127278 (VCV002127278.4), dbSNP rs2511176526, ClinGen allele CA2580095496.

ClinVar aggregate classification (germline): Pathogenic (1 of 4 stars; one submission).

Conditions:
Niemann-Pick disease, type C1. Also called: NIEMANN-PICK DISEASE, VARIANT TYPE C1; NIEMANN-PICK DISEASE WITHOUT SPHINGOMYELINASE DEFICIENCY; NEUROVISCERAL STORAGE DISEASE WITH VERTICAL SUPRANUCLEAR OPHTHALMOPLEGIA; NIEMANN-PICK DISEASE WITH CHOLESTEROL ESTERIFICATION BLOCK; NIEMANN-PICK DISEASE, CHRONIC NEURONOPATHIC FORM. Identifiers: Orphanet 646, MedGen C3179455, MONDO:0009757, OMIM 257220.

Submission:

Labcorp Genetics (formerly Invitae), Labcorp
Classification: Pathogenic for Niemann-Pick disease, type C1. Last evaluated: 2023-03-23. Review status: criteria provided, single submitter. Criteria: Invitae Variant Classification Sherloc (09022015). Collection method: clinical testing. Allele origin: germline.
Comment: This sequence change creates a premature translational stop signal (p.Leu1230Trpfs*12) in the NPC1 gene. While this is not anticipated to result in nonsense mediated decay, it is expected to disrupt the last 49 amino acid(s) of the NPC1 protein. This variant is not present in population databases (gnomAD no frequency). This variant has not been reported in the literature in individuals affected with NPC1-related conditions. ClinVar contains an entry for this variant (Variation ID: 2127278). This variant disrupts a region of the NPC1 protein in which other variant(s) (p.Leu1248Valfs*3) have been determined to be pathogenic (PMID: 10521290, 19744920). This suggests that this is a clinically significant region of the protein, and that variants that disrupt it are likely to be disease-causing. For these reasons, this variant has been classified as Pathogenic.

Literature cited by the submitters: PubMed 10521290; PubMed 19744920.